The following is an entry in ClinVar:

NM_001113378.2(FANCI):c.835A>G (p.Ile279Val)

Gene: FANCI (FA complementation group I; plus strand). Cytogenetic location: 15q26.1.
Variant type: single nucleotide variant.
Coding change: c.835A>G on transcript NM_001113378.2 (MANE Select); coding-DNA position 835, A replaced by G.
Protein change: p.Ile279Val; replaces isoleucine 279 with valine.
Molecular consequence: missense variant.
Genome position (GRCh38, 1-based): chr15:89,268,478, A>G. VCF-style: chr15-89268478-A-G. GRCh37 (hg19) VCF-style: chr15-89811709-A-G.
Other names: c.556A>G, p.Ile186Val (NM_001376910.1); c.835A>G, p.Ile279Val (NM_001376911.1, NM_018193.3); short protein forms I186V, I279V.
Identifiers: ClinVar variation 1000237 (VCV001000237.7), dbSNP rs1434427258, ClinGen allele CA393740198.

ClinVar aggregate classification (germline): Uncertain significance. Review status: criteria provided, multiple submitters, no conflicts (2 of 4 stars). 2 submissions from 2 submitters: Uncertain significance (2). Last evaluated 2025-05-05.

Conditions:
Fanconi anemia (FA). Also called: Fanconi's anemia. Identifiers: Orphanet 84, MedGen C0015625, MeSH D005199, MONDO:0019391.

Allele frequency attached by ClinVar (database versions not stated): gnomAD exomes below 0.00001 and 0.00001.
gnomAD v4.1: 9 of 1,614,208 alleles (0.00056%); highest among the groups gnomAD compares: Non-Finnish European, 0.00068%; no homozygotes.

Submissions (2):

Labcorp Genetics (formerly Invitae), Labcorp
Classification: Uncertain significance for Fanconi anemia. Last evaluated: 2025-05-05. Review status: criteria provided, single submitter. Criteria: Invitae Variant Classification Sherloc (09022015). Collection method: clinical testing. Allele origin: germline.
Comment: This sequence change replaces isoleucine, which is neutral and non-polar, with valine, which is neutral and non-polar, at codon 279 of the FANCI protein (p.Ile279Val). This variant is present in population databases (no rsID available, gnomAD 0.01%). This variant has not been reported in the literature in individuals affected with FANCI-related conditions. ClinVar contains an entry for this variant (Variation ID: 1000237). Invitae Evidence Modeling of protein sequence and biophysical properties (such as structural, functional, and spatial information, amino acid conservation, physicochemical variation, residue mobility, and thermodynamic stability) indicates that this missense variant is not expected to disrupt FANCI protein function with a negative predictive value of 80%. In summary, the available evidence is currently insufficient to determine the role of this variant in disease. Therefore, it has been classified as a Variant of Uncertain Significance.

Blueprint Genetics
Classification: Uncertain significance. Last evaluated: 2021-05-11. Review status: criteria provided, single submitter. Criteria: ACMG Guidelines, 2015. Collection method: clinical testing. Allele origin: germline.